The following is an entry in ClinVar:

NM_001352754.2(ARMC9):c.1021C>T (p.Arg341Cys)

Gene: ARMC9 (armadillo repeat containing 9; plus strand). Cytogenetic location: 2q37.1.
Variant type: single nucleotide variant.
Coding change: c.1021C>T on transcript NM_001352754.2 (MANE Select); coding-DNA position 1021, C replaced by T.
Protein change: p.Arg341Cys; replaces arginine 341 with cysteine.
Molecular consequence: missense variant. On other transcripts: non-coding transcript variant (1).
Genome position (GRCh38, 1-based): chr2:231,259,097, C>T. VCF-style: chr2-231259097-C-T. GRCh37 (hg19) VCF-style: chr2-232123810-C-T.
Other names: c.1021C>T, p.Arg341Cys (NM_001271466.4, NM_001291656.2, NM_001352755.2 and 3 more transcripts); c.922C>T, p.Arg308Cys (NM_001352757.2, NM_001352758.2); short protein forms R308C, R341C.
Identifiers: ClinVar variation 1413003 (VCV001413003.4), dbSNP rs759085044, ClinGen allele CA2160145.

ClinVar aggregate classification (germline): Uncertain significance (1 of 4 stars; one submission).

Allele frequency attached by ClinVar (database versions not stated): gnomAD exomes 0.00001 and 0.00002; ExAC 0.00002; TOPMed 0.00003; gnomAD 0.00007.
gnomAD v4.1: 27 of 1,611,618 alleles (0.0017%); highest among the groups gnomAD compares: African/African-American, 0.0067%; no homozygotes.

Submission:

Labcorp Genetics (formerly Invitae), Labcorp
Classification: Uncertain significance. Last evaluated: 2022-07-05. Review status: criteria provided, single submitter. Criteria: Invitae Variant Classification Sherloc (09022015). Collection method: clinical testing. Allele origin: germline.
Comment: In summary, the available evidence is currently insufficient to determine the role of this variant in disease. Therefore, it has been classified as a Variant of Uncertain Significance. Experimental studies and prediction algorithms are not available or were not evaluated, and the functional significance of this variant is currently unknown. ClinVar contains an entry for this variant (Variation ID: 1413003). This variant has not been reported in the literature in individuals affected with ARMC9-related conditions. This variant is present in population databases (rs759085044, gnomAD 0.02%). This sequence change replaces arginine, which is basic and polar, with cysteine, which is neutral and slightly polar, at codon 341 of the ARMC9 protein (p.Arg341Cys).